The following is an entry in ClinVar:

NM_000098.3(CPT2):c.531C>A (p.His177Gln)

Gene: CPT2 (carnitine palmitoyltransferase 2; plus strand). Cytogenetic location: 1p32.3.
Variant type: single nucleotide variant.
Coding change: c.531C>A on transcript NM_000098.3 (MANE Select); coding-DNA position 531, C replaced by A.
Protein change: p.His177Gln; replaces histidine 177 with glutamine.
Molecular consequence: missense variant.
Genome position (GRCh38, 1-based): chr1:53,210,205, C>A. VCF-style: chr1-53210205-C-A. GRCh37 (hg19) VCF-style: chr1-53675877-C-A.
Other names: c.531C>A, p.His177Gln (NM_001330589.2); c.531C>A (NM_000098.2); short protein forms H177Q.
Identifiers: ClinVar variation 1011764 (VCV001011764.11), dbSNP rs1446192074, ClinGen allele CA340392516.

ClinVar aggregate classification (germline): Uncertain significance. Review status: criteria provided, multiple submitters, no conflicts (2 of 4 stars). 4 submissions from 4 submitters: Uncertain significance (3). 1 of the submissions does not count toward it. Last evaluated 2025-05-28.

Conditions:
Inborn genetic diseases. Identifiers: MedGen C0950123, MeSH D030342.
Carnitine palmitoyltransferase II deficiency. Also called: Carnitine Palmitoyltransferase 2 Deficiency. Identifiers: Orphanet 157, MedGen C0342790, MONDO:0015515.

Allele frequency attached by ClinVar (database versions not stated): gnomAD exomes below 0.00001; TOPMed 0.00001; gnomAD 0.00002.
gnomAD v4.1: 7 of 1,614,066 alleles (0.00043%); highest among the groups gnomAD compares: African/African-American, 0.0013%; no homozygotes.

Submissions (4):

Ambry Genetics
Classification: Uncertain significance for Inborn genetic diseases. Last evaluated: 2025-05-28. Review status: criteria provided, single submitter. Criteria: Ambry Variant Classification Scheme 2023. Collection method: clinical testing. Allele origin: germline.

GeneDx
Classification: Uncertain significance. Last evaluated: 2025-04-28. Review status: criteria provided, single submitter. Criteria: GeneDx Variant Classification Process June 2021. Collection method: clinical testing. Allele origin: germline. Affected: yes.
Comment: Not observed at significant frequency in large population cohorts (gnomAD); In silico analysis supports that this missense variant has a deleterious effect on protein structure/function; Has not been previously published as pathogenic or benign to our knowledge

Labcorp Genetics (formerly Invitae), Labcorp
Classification: Uncertain significance for Carnitine palmitoyltransferase II deficiency. Last evaluated: 2021-08-31. Review status: criteria provided, single submitter. Criteria: Invitae Variant Classification Sherloc (09022015). Collection method: clinical testing. Allele origin: germline.
Comment: This sequence change replaces histidine with glutamine at codon 177 of the CPT2 protein (p.His177Gln). The histidine residue is highly conserved and there is a small physicochemical difference between histidine and glutamine. This variant is not present in population databases (ExAC no frequency). This variant has not been reported in the literature in individuals affected with CPT2-related conditions. Algorithms developed to predict the effect of missense changes on protein structure and function are either unavailable or do not agree on the potential impact of this missense change (SIFT: "Deleterious"; PolyPhen-2: "Probably Damaging"; Align-GVGD: "Class C0"). In summary, the available evidence is currently insufficient to determine the role of this variant in disease. Therefore, it has been classified as a Variant of Uncertain Significance.

Natera, Inc.
Classification: Uncertain significance for Carnitine palmitoyltransferase II deficiency. Last evaluated: 2020-06-22. Review status: no assertion criteria provided. Collection method: clinical testing. Allele origin: germline. Not counted in ClinVar's aggregate classification.